The following is an entry in ClinVar:

NM_001040716.2(PC):c.2942C>T (p.Ser981Phe)

Gene: PC (pyruvate carboxylase; minus strand). Cytogenetic location: 11q13.2.
Variant type: single nucleotide variant.
Coding change: c.2942C>T on transcript NM_001040716.2 (MANE Select); coding-DNA position 2942, C replaced by T.
Protein change: p.Ser981Phe; replaces serine 981 with phenylalanine.
Molecular consequence: missense variant.
Genome position (GRCh38, 1-based): chr11:66,849,816, G>A on the plus strand (C>T on the coding strand, the complement: PC is on the minus strand). VCF-style: chr11-66849816-G-A. GRCh37 (hg19) VCF-style: chr11-66617287-G-A.
Other names: c.2942C>T (NM_000920.3); c.2942C>T, p.Ser981Phe (NM_000920.4, NM_022172.3); short protein forms S981F.
Identifiers: ClinVar variation 2900134 (VCV002900134.4), dbSNP rs1057035880, ClinGen allele CA224122167.

ClinVar aggregate classification (germline): Conflicting classifications of pathogenicity. Review status: criteria provided, conflicting classifications (1 of 4 stars). 2 submissions from 2 submitters: Uncertain significance (1); Likely benign (1). Last evaluated 2025-01-09.

Conditions:
Pyruvate carboxylase deficiency. Also called: Pyruvate Carboxylase Deficiency Disease; ATAXIA WITH LACTIC ACIDOSIS II; LEIGH NECROTIZING ENCEPHALOPATHY DUE TO PYRUVATE CARBOXYLASE DEFICIENCY; LEIGH SYNDROME DUE TO PYRUVATE CARBOXYLASE DEFICIENCY; PC DEFICIENCY. Identifiers: Orphanet 3008, MedGen C0034341, MONDO:0009949, OMIM 266150.

Allele frequency attached by ClinVar (database versions not stated): gnomAD exomes below 0.00001; gnomAD 0.00001; TOPMed 0.00002.
gnomAD v4.1: 2 of 1,613,778 alleles (0.00012%); highest among the groups gnomAD compares: African/African-American, 0.0027%; no homozygotes.

Submissions (2):

GeneDx
Classification: Uncertain significance. Last evaluated: 2025-01-09. Review status: criteria provided, single submitter. Criteria: GeneDx Variant Classification Process June 2021. Collection method: clinical testing. Allele origin: germline. Affected: yes.
Comment: Not observed at significant frequency in large population cohorts (gnomAD); In silico analysis supports that this missense variant has a deleterious effect on protein structure/function; Has not been previously published as pathogenic or benign to our knowledge

Labcorp Genetics (formerly Invitae), Labcorp
Classification: Likely benign for Pyruvate carboxylase deficiency. Last evaluated: 2023-12-20. Review status: criteria provided, single submitter. Criteria: Invitae Variant Classification Sherloc (09022015). Collection method: clinical testing. Allele origin: germline.